The following is an entry in ClinVar:

NM_004006.3(DMD):c.649+5G>A

Gene: DMD (dystrophin; minus strand). Cytogenetic location: Xp21.1.
Variant type: single nucleotide variant.
Coding change: c.649+5G>A on transcript NM_004006.3 (MANE Select); 5 bases into the intron after coding-DNA position 649, G replaced by A.
Molecular consequence: intron variant.
Genome position (GRCh38, 1-based): chrX:32,809,488, C>T on the plus strand (G>A on the coding strand, the complement: DMD is on the minus strand). VCF-style: chrX-32809488-C-T. GRCh37 (hg19) VCF-style: chrX-32827605-C-T.
Other names: c.625+5G>A (NM_000109.4); c.637+5G>A (NM_004009.3); c.280+5G>A (NM_004010.3).
Identifiers: ClinVar variation 1324254 (VCV001324254.9), dbSNP rs1557047808, ClinGen allele CA2573055291.

ClinVar aggregate classification (germline): Likely pathogenic (1 of 4 stars; one submission).

Conditions:
Duchenne muscular dystrophy (DMD). Also called: MUSCULAR DYSTROPHY, PSEUDOHYPERTROPHIC PROGRESSIVE, DUCHENNE TYPE; Duchenne Muscular Dystrophy (DMD). Identifiers: Orphanet 98896, MedGen C0013264, MONDO:0010679, OMIM 310200.

Submission:

Labcorp Genetics (formerly Invitae), Labcorp
Classification: Likely pathogenic for Duchenne muscular dystrophy. Last evaluated: 2021-01-05. Review status: criteria provided, single submitter. Criteria: Invitae Variant Classification Sherloc (09022015). Collection method: clinical testing. Allele origin: germline.
Comment: In summary, the currently available evidence indicates that the variant is pathogenic, but additional data are needed to prove that conclusively. Therefore, this variant has been classified as Likely Pathogenic. Nucleotide substitutions within the consensus splice site are a relatively common cause of aberrant splicing (PMID: 17576681, 9536098). Algorithms developed to predict the effect of sequence changes on RNA splicing suggest that this variant may disrupt the consensus splice site, but this prediction has not been confirmed by published transcriptional studies. This variant has been observed in individual(s) with clinical features of Duchenne muscular dystrophy (PMID: 19783145, Invitae). This variant is not present in population databases (ExAC no frequency). This sequence change falls in intron 7 of the DMD gene. It does not directly change the encoded amino acid sequence of the DMD protein. It affects a nucleotide within the consensus splice site of the intron.

Literature cited by the submitters: PubMed 17576681; PubMed 9536098; PubMed 19783145.